The following is an entry in ClinVar:

ClinVar aggregate classification (germline): Likely benign. Review status: criteria provided, multiple submitters, no conflicts (2 of 4 stars). 3 submissions from 3 submitters: Likely benign (2). 1 of the submissions does not count toward it. Last evaluated 2024-11-21.

Conditions:
ZNF462-related disorder. Also called: ZNF462 related disease; ZNF462-related condition.

Submissions (3):

Blueprint Genetics
Classification: Likely benign. Last evaluated: 2024-11-21. Review status: criteria provided, single submitter. Criteria: ACMG Guidelines, 2015. Collection method: clinical testing. Allele origin: germline.

CeGaT Center for Human Genetics Tuebingen
Classification: Likely benign. Last evaluated: 2022-11-01. Review status: criteria provided, single submitter. Criteria: CeGaT Center For Human Genetics Tuebingen Variant Classification Criteria Version 2. Collection method: clinical testing. Allele origin: germline. Affected: yes. Observed: 1 variant allele.
Comment: ZNF462: BP4, BP7

PreventionGenetics, part of Exact Sciences
Classification: Likely benign for ZNF462-related condition. Last evaluated: 2019-10-28. Review status: no assertion criteria provided. Collection method: clinical testing. Allele origin: germline. Not counted in ClinVar's aggregate classification.
Comment: This variant is classified as likely benign based on ACMG/AMP sequence variant interpretation guidelines (Richards et al. 2015 PMID: 25741868, with internal and published modifications).

NM_021224.6(ZNF462):c.3507A>C (p.Pro1169=)

Gene: ZNF462 (zinc finger protein 462; plus strand). Cytogenetic location: 9q31.2.
Variant type: single nucleotide variant.
Coding change: c.3507A>C on transcript NM_021224.6 (MANE Select); coding-DNA position 3507, A replaced by C.
Protein change: p.Pro1169=; no amino-acid change (proline 1169 retained).
Molecular consequence: synonymous variant. On other transcripts: intron variant (1).
Genome position (GRCh38, 1-based): chr9:106,927,419, A>C. VCF-style: chr9-106927419-A-C. GRCh37 (hg19) VCF-style: chr9-109689700-A-C.
Other names: c.3252+255A>C (NM_001347997.2); c.3507A>C (NM_021224.5).
Identifiers: ClinVar variation 2659375 (VCV002659375.26), dbSNP rs1588069357, ClinGen allele CA466413713.